The following is an entry in ClinVar:

ClinVar aggregate classification (germline): Uncertain significance (1 of 4 stars; one submission).

Conditions:
Familial intrahepatic cholestasis. Identifiers: Orphanet 284385, MedGen CN296401, MONDO:0017290.

gnomAD v4.1: 5 of 1,560,946 alleles (0.00032%); highest among the groups gnomAD compares: South Asian, 0.0022%; no homozygotes.

Submission:

Genomenon, Inc
Classification: Uncertain significance for Familial intrahepatic cholestasis. Last evaluated: 2026-04-14. Review status: criteria provided, single submitter. Criteria: Genomenon Sequence Variant Interpretation Standards - Updated. Collection method: curation. Allele origin: germline. Affected: yes.
Comment: ABCB4 c.2783+6G>A is an intronic variant located in the donor splice region of intron 22. This variant has been observed in at least one proband with an ABCB4-related disorder (PMID:32917322). It is absent or not present at a significant frequency in gnomAD. In silico models predict that this variant is not damaging. In conclusion, we classify ABCB4 c.2783+6G>A as a variant of uncertain significance.

Literature cited by the submitters: PubMed 32917322.

NM_000443.4(ABCB4):c.2783+6G>A

Gene: ABCB4 (ATP binding cassette subfamily B member 4; minus strand). Cytogenetic location: 7q21.12.
Variant type: single nucleotide variant.
Coding change: c.2783+6G>A on transcript NM_000443.4 (MANE Select); 6 bases into the intron after coding-DNA position 2783, G replaced by A.
Molecular consequence: intron variant.
Genome position (GRCh38, 1-based): chr7:87,413,611, C>T on the plus strand (G>A on the coding strand, the complement: ABCB4 is on the minus strand). VCF-style: chr7-87413611-C-T. GRCh37 (hg19) VCF-style: chr7-87042927-C-T.
Other names: c.2783+6G>A (NM_018850.3, NM_018849.3).
Identifiers: ClinVar variation 4846354 (VCV004846354.1).